The following is an entry in ClinVar:

ClinVar aggregate classification (germline): Benign/Likely benign. Review status: criteria provided, multiple submitters, no conflicts (2 of 4 stars). 6 submissions from 6 submitters: Benign (2); Likely benign (2). 2 of the submissions do not count toward it. Last evaluated 2026-09-01.

Conditions:
Netherton syndrome (NETH). Also called: ERYTHRODERMA, ICHTHYOSIFORM, WITH HYPOTRICHOSIS AND HYPER-IgE; COMEL-NETHERTON SYNDROME; NETHERTON DISEASE. Identifiers: Orphanet 634, MedGen C5574950, MONDO:0009735, OMIM 256500.
Ichthyosis linearis circumflexa. Identifiers: MedGen C0265962, MONDO:0043106, HP:0025810.

Allele frequency attached by ClinVar (database versions not stated): 1000 Genomes Project 30x 0.00156; 1000 Genomes Project 0.00180; TOPMed 0.00450; ESP Exome Variant Server 0.00521; gnomAD exomes 0.00730 and 0.00810; gnomAD 0.00780 and 0.00842; ExAC 0.00836.
gnomAD v4.1: 11,816 of 1,613,660 alleles (0.73%); highest among the groups gnomAD compares: Non-Finnish European, 0.71%; 98 homozygotes.

Submissions (6):

CeGaT Center for Human Genetics Tuebingen
Classification: Likely benign. Last evaluated: 2026-09-01. Review status: criteria provided, single submitter. Criteria: CeGaT Center For Human Genetics Tuebingen Variant Classification Criteria Version 2. Collection method: clinical testing. Allele origin: germline. Affected: yes. Observed: 10 variant alleles.
Comment: SPINK5: BP4, BS2

Labcorp Genetics (formerly Invitae), Labcorp
Classification: Benign for Ichthyosis linearis circumflexa. Last evaluated: 2026-02-01. Review status: criteria provided, single submitter. Criteria: Invitae Variant Classification Sherloc (09022015). Collection method: clinical testing. Allele origin: germline.

Illumina Laboratory Services, Illumina
Classification: Likely benign for Netherton syndrome. Last evaluated: 2018-01-12. Review status: criteria provided, single submitter. Criteria: ICSL Variant Classification Criteria 13 December 2019. Collection method: clinical testing. Allele origin: germline.
Comment: This variant was observed in the ICSL laboratory as part of a predisposition screen in an ostensibly healthy population. It had not been previously curated by ICSL or reported in the Human Gene Mutation Database (HGMD: prior to June 1st, 2018), and was therefore a candidate for classification through an automated scoring system. Utilizing variant allele frequency, disease prevalence and penetrance estimates, and inheritance mode, an automated score was calculated to assess if this variant is too frequent to cause the disease. Based on the score and internal cut-off values, a variant classified as likely benign is not then subjected to further curation. The score for this variant resulted in a classification of likely benign for this disease.

GeneDx
Classification: Benign. Last evaluated: 2015-03-03. Review status: criteria provided, single submitter. Criteria: GeneDx Variant Classification Process June 2021. Collection method: clinical testing. Allele origin: germline. Affected: yes.

Genome Diagnostics Laboratory, University Medical Center Utrecht
Classification: Benign. Review status: no assertion criteria provided. Collection method: clinical testing. Allele origin: germline. Affected: yes. Study: VKGL Data-share Consensus. Not counted in ClinVar's aggregate classification.

Laboratory of Diagnostic Genome Analysis, Leiden University Medical Center (LUMC)
Classification: Likely benign. Review status: no assertion criteria provided. Collection method: clinical testing. Allele origin: germline. Affected: yes. Study: VKGL Data-share Consensus. Not counted in ClinVar's aggregate classification.

NM_006846.4(SPINK5):c.2241-6C>T

Gene: SPINK5 (serine peptidase inhibitor Kazal type 5; plus strand). Cytogenetic location: 5q32.
Variant type: single nucleotide variant.
Coding change: c.2241-6C>T on transcript NM_006846.4 (MANE Select); 6 bases into the intron before coding-DNA position 2241, C replaced by T.
Molecular consequence: intron variant.
Genome position (GRCh38, 1-based): chr5:148,118,980, C>T. VCF-style: chr5-148118980-C-T. GRCh37 (hg19) VCF-style: chr5-147498543-C-T.
Other names: c.2241-6C>T (NM_001127698.2, NM_001127699.2).
Identifiers: ClinVar variation 351531 (VCV000351531.42), dbSNP rs190365795, ClinGen allele CA3495924.